The following is an entry in ClinVar:

NM_001754.5(RUNX1):c.557T>A (p.Val186Asp)

Genes: RUNX1 (RUNX family transcription factor 1; minus strand), RUNX1-AS1 (RUNX1 antisense RNA 1; plus strand). Cytogenetic location: 21q22.12.
Variant type: single nucleotide variant.
Coding change: c.557T>A on transcript NM_001754.5 (MANE Select); coding-DNA position 557, T replaced by A.
Protein change: p.Val186Asp; replaces valine 186 with aspartic acid.
Molecular consequence: missense variant.
Genome position (GRCh38, 1-based): chr21:34,859,530, A>T on the plus strand (T>A on the coding strand, the complement: RUNX1 is on the minus strand). VCF-style: chr21-34859530-A-T. GRCh37 (hg19) VCF-style: chr21-36231827-A-T.
Other names: NM_001754.4(RUNX1):c.557T>A; c.476T>A, p.Val159Asp (NM_001001890.3, NM_001122607.2); short protein forms V186D, V159D.
Identifiers: ClinVar variation 212089 (VCV000212089.8), dbSNP rs797045927, ClinGen allele CA248819.
Genomic context (GRCh38, chr21:34,859,530, plus strand): 5'-TTACTTCGAGGTTCTCGGGGCCCATCCACTGTGATTTTGATGGCTCTGTGGTAGGTGGCG[A>T]CTTGCGGTGGGTTTGTGAAGACAGTGATGGTCAGAGTGAAGCTTTTCCCTGTGGGGACAC-3'
Protein context (NP_001745.2, residues 176-196): TITVFTNPPQ[Val186Asp]ATYHRAIKIT

ClinVar aggregate classification (germline): Uncertain significance. Review status: reviewed by expert panel (3 of 4 stars). 2 submissions from 2 submitters: Uncertain significance (1). 1 of the submissions does not count toward it. Last evaluated 2019-07-30.

Conditions:
Hereditary thrombocytopenia and hematological cancer predisposition syndrome associated with RUNX1. Also called: PLATELET DISORDER, ASPIRIN-LIKE; RUNX1 Familial Platelet Disorder with Associated Myeloid Malignancies; Familial Platelet Disorder with Propensity to Acute Myelogenous Leukemia; Familial thrombocytopenia with propensity to acute myelogenous leukemia. Identifiers: Orphanet 71290, MedGen C1832388, MeSH C563324, MONDO:0100083, OMIM 601399.

Submissions (2):

ClinGen Myeloid Malignancy Variant Curation Expert Panel
Classification: Uncertain significance for Familial platelet disorder with associated myeloid malignancy. Last evaluated: 2019-07-30. Review status: reviewed by expert panel. Criteria: ClinGen MyeloMalig ACMG Specifications v1. Collection method: curation. Allele origin: germline. Inheritance: Autosomal dominant inheritance.
Comment: The NM_001754.4:c.557T>A (p.Val186Asp) missense variant is completely absent from all population databases with at least 20x coverage for RUNX1 (PM2). It has a REVEL score >0.75 (0.953) (PP3). This variant affects one of the residues (AA 105-204) within the RHD (PM1_Supporting). In summary, the clinical significance of this variant is uncertain. ACMG/AMP criteria applied, as specified by the Myeloid Malignancy Variant Curation Expert Panel for RUNX1: PM2, PP3, PM1_Supporting.

Genetic Services Laboratory, University of Chicago
Classification: Uncertain significance. Last evaluated: 2020-11-04. Review status: criteria provided, single submitter. Criteria: ACMG Guidelines, 2015. Collection method: clinical testing. Allele origin: germline. Affected: no. Not counted in ClinVar's aggregate classification.